The following is an entry in ClinVar:

ClinVar aggregate classification (germline): Uncertain significance. Review status: criteria provided, single submitter (1 of 4 stars). 2 submissions from 2 submitters: Uncertain significance (1). 1 of the submissions does not count toward it. Last evaluated 2022-05-22.

Conditions:
VPS13B-related disorder. Also called: VPS13B-related condition.
Cohen syndrome (COH1). Also called: PEPPER SYNDROME; Cutis verticis gyrata, retinitis pigmentosa, and sensorineural deafness. Identifiers: Orphanet 193, MedGen C0265223, MONDO:0008999, OMIM 216550.

Submissions (2):

Labcorp Genetics (formerly Invitae), Labcorp
Classification: Uncertain significance for Cohen syndrome. Last evaluated: 2022-05-22. Review status: criteria provided, single submitter. Criteria: Invitae Variant Classification Sherloc (09022015). Collection method: clinical testing. Allele origin: germline.
Comment: This sequence change replaces cysteine, which is neutral and slightly polar, with phenylalanine, which is neutral and non-polar, at codon 445 of the VPS13B protein (p.Cys445Phe). This variant is present in population databases (no rsID available, gnomAD 0.04%). This variant has not been reported in the literature in individuals affected with VPS13B-related conditions. ClinVar contains an entry for this variant (Variation ID: 571025). Algorithms developed to predict the effect of missense changes on protein structure and function are either unavailable or do not agree on the potential impact of this missense change (SIFT: "Not Available"; PolyPhen-2: "Possibly Damaging"; Align-GVGD: "Not Available"). In summary, the available evidence is currently insufficient to determine the role of this variant in disease. Therefore, it has been classified as a Variant of Uncertain Significance.

PreventionGenetics, part of Exact Sciences
Classification: Uncertain significance for VPS13B-related condition. Last evaluated: 2024-03-13. Review status: no assertion criteria provided. Collection method: clinical testing. Allele origin: germline. Not counted in ClinVar's aggregate classification.
Comment: The VPS13B c.1334_1335delinsTT variant is predicted to result in an in-frame deletion and insertion. To our knowledge, this variant has not been reported in the literature. This variant has been reported in 1 of ~251,000 alleles in gnomAD. At this time, the clinical significance of this variant is uncertain due to the absence of conclusive functional and genetic evidence.

NM_152564.5(VPS13B):c.1334_1335delinsTT (p.Cys445Phe)

Gene: VPS13B (vacuolar protein sorting 13 homolog B; plus strand). Cytogenetic location: 8q22.2.
Variant type: Indel.
Coding change: c.1334_1335delinsTT on transcript NM_152564.5 (MANE Select); coding-DNA positions 1334 to 1335, GC replaced by TT.
Protein change: p.Cys445Phe; replaces cysteine 445 with phenylalanine.
Molecular consequence: missense variant.
Genome position (GRCh38, 1-based): chr8:99,135,046-99,135,047, GC replaced by TT. VCF-style: chr8-99135046-GC-TT. GRCh37 (hg19) VCF-style: chr8-100147274-GC-TT.
Other names: c.1334_1335delGCinsTT (NM_017890.4); c.1334_1335delinsTT, p.Cys445Phe (NM_015243.3, NM_017890.5); c.1334_1335delinsTT (NM_152564.4); short protein forms C445F.
Identifiers: ClinVar variation 571025 (VCV000571025.7), dbSNP rs1563560499, ClinGen allele CA891842482.